The following is an entry in ClinVar:

NM_007294.4(BRCA1):c.5528C>G (p.Ala1843Gly)

Gene: BRCA1 (BRCA1 DNA repair associated; minus strand). Cytogenetic location: 17q21.31.
Variant type: single nucleotide variant.
Coding change: c.5528C>G on transcript NM_007294.4 (MANE Select); coding-DNA position 5528, C replaced by G.
Protein change: p.Ala1843Gly; replaces alanine 1843 with glycine.
Molecular consequence: missense variant. On other transcripts: 3 prime UTR variant (1), non-coding transcript variant (1).
Genome position (GRCh38, 1-based): chr17:43,045,742, G>C on the plus strand (C>G on the coding strand, the complement: BRCA1 is on the minus strand). VCF-style: chr17-43045742-G-C. GRCh37 (hg19) VCF-style: chr17-41197759-G-C.
Other names: c.5525C>G, p.Ala1842Gly (NM_001407613.1, NM_001407614.1, NM_001407615.1 and 14 more transcripts); c.5522C>G, p.Ala1841Gly (NM_001407632.1, NM_001407633.1, NM_001407634.1 and 13 more transcripts); c.5450C>G, p.Ala1817Gly (NM_001407654.1, NM_001407655.1, NM_001407652.1 and 1 more transcripts); c.5447C>G, p.Ala1816Gly (NM_001407656.1, NM_001407657.1, NM_001407658.1); c.5444C>G, p.Ala1815Gly (NM_001407659.1, NM_001407660.1, NM_001407661.1 and 2 more transcripts); c.5384C>G, p.Ala1795Gly (NM_001407737.1, NM_001407738.1, NM_001407739.1 and 18 more transcripts); c.2078C>G, p.Ala693Gly (NM_001408454.1, NM_001408455.1, NM_001408456.1 and 3 more transcripts); c.2075C>G, p.Ala692Gly (NM_001408458.1, NM_001408459.1, NM_001408460.1 and 7 more transcripts); and 74 more; short protein forms A1796G, A1864G, A1843G, A739G, A1714G, A1715G, A1716G, A1732G.
Identifiers: ClinVar variation 867627 (VCV000867627.3), dbSNP rs730881447, ClinGen allele CA10590263.

Conditions:
Breast-ovarian cancer, familial, susceptibility to, 1 (BROVCA1). Also called: BRCA1 Hereditary Breast and Ovarian Cancer; OVARIAN CANCER, SUSCEPTIBILITY TO. Identifiers: Orphanet 145, MedGen C2676676, MONDO:0011450, OMIM 604370. Disease mechanism: loss of function.

Submission:

Brotman Baty Institute, University of Washington
No classification provided (evidence only). Condition: Breast-ovarian cancer, familial 1. Review status: no classification provided. Collection method: in vitro. Allele origin: not applicable. Functional consequence: functionally_normal.
ClinVar note: "not provided" was previously submitted as the classification for the variant. However, the classification appeared to be based only on an observation of functional data so it was converted to no classification on 2025-07-30.